The following is an entry in ClinVar:

ClinVar aggregate classification (germline): Uncertain significance. Review status: criteria provided, multiple submitters, no conflicts (2 of 4 stars). 2 submissions from 2 submitters: Uncertain significance (2). Last evaluated 2023-02-27.

Conditions:
Idiopathic generalized epilepsy. Also called: Generalised epilepsy; EIG. Identifiers: MedGen C0270850, MONDO:0005579, OMIM 600669.
Hyperaldosteronism, familial, type IV (HALD4). Also called: FH IV; ALDOSTERONISM, PRIMARY, AND HYPERTENSION. Identifiers: Orphanet 642671, MedGen C4310756, MONDO:0014875, OMIM 617027.

Submissions (2):

GeneDx
Classification: Uncertain significance. Last evaluated: 2023-02-27. Review status: criteria provided, single submitter. Criteria: GeneDx Variant Classification Process June 2021. Collection method: clinical testing. Allele origin: germline. Affected: yes.
Comment: Not observed at significant frequency in large population cohorts (gnomAD); In silico analysis supports that this missense variant does not alter protein structure/function; Has not been previously published as pathogenic or benign to our knowledge

Labcorp Genetics (formerly Invitae), Labcorp
Classification: Uncertain significance for Idiopathic generalized epilepsy; Hyperaldosteronism, familial, type IV. Last evaluated: 2022-08-23. Review status: criteria provided, single submitter. Criteria: Invitae Variant Classification Sherloc (09022015). Collection method: clinical testing. Allele origin: germline.
Comment: In summary, the available evidence is currently insufficient to determine the role of this variant in disease. Therefore, it has been classified as a Variant of Uncertain Significance. Advanced modeling of protein sequence and biophysical properties (such as structural, functional, and spatial information, amino acid conservation, physicochemical variation, residue mobility, and thermodynamic stability) performed at Invitae indicates that this missense variant is not expected to disrupt CACNA1H protein function. ClinVar contains an entry for this variant (Variation ID: 1381392). This variant has not been reported in the literature in individuals affected with CACNA1H-related conditions. This variant is not present in population databases (gnomAD no frequency). This sequence change replaces serine, which is neutral and polar, with proline, which is neutral and non-polar, at codon 293 of the CACNA1H protein (p.Ser293Pro).

NM_021098.3(CACNA1H):c.877T>C (p.Ser293Pro)

Gene: CACNA1H (calcium voltage-gated channel subunit alpha1 H; plus strand). Cytogenetic location: 16p13.3.
Variant type: single nucleotide variant.
Coding change: c.877T>C on transcript NM_021098.3 (MANE Select); coding-DNA position 877, T replaced by C.
Protein change: p.Ser293Pro; replaces serine 293 with proline.
Molecular consequence: missense variant.
Genome position (GRCh38, 1-based): chr16:1,200,329, T>C. VCF-style: chr16-1200329-T-C. GRCh37 (hg19) VCF-style: chr16-1250329-T-C.
Other names: c.877T>C (NM_021098.2); c.877T>C, p.Ser293Pro (NM_001005407.2); short protein forms S293P.
Identifiers: ClinVar variation 1381392 (VCV001381392.8), dbSNP rs2141242222, ClinGen allele CA394156130.